The following is an entry in ClinVar:

NM_001360016.2(G6PD):c.71A>T (p.Asp24Val)

Genes: G6PD (glucose-6-phosphate dehydrogenase; minus strand), IKBKG (inhibitor of nuclear factor kappa B kinase regulatory subunit gamma; plus strand). Cytogenetic location: Xq28.
Variant type: single nucleotide variant.
Coding change: c.71A>T on transcript NM_001360016.2 (MANE Select); coding-DNA position 71, A replaced by T.
Protein change: p.Asp24Val; replaces aspartic acid 24 with valine.
Molecular consequence: missense variant. On other transcripts: intron variant (4).
Genome position (GRCh38, 1-based): chrX:154,546,085, T>A on the plus strand (A>T on the coding strand, the complement: G6PD is on the minus strand). VCF-style: chrX-154546085-T-A. GRCh37 (hg19) VCF-style: chrX-153774300-T-A.
Other names: c.161A>T, p.Asp54Val (NM_000402.4); c.71A>T, p.Asp24Val (NM_001042351.3); c.-16+4694T>A (NM_001377312.1, NM_001377313.1); c.189+3633T>A (NM_001099856.6); c.-16+3698T>A (NM_001321396.3); short protein forms D54V, D24V.
Identifiers: ClinVar variation 3718551 (VCV003718551.2).

ClinVar aggregate classification (germline): Uncertain significance (1 of 4 stars; one submission).

Conditions:
Anemia, nonspherocytic hemolytic, due to G6PD deficiency (CNSHA1). Also called: Hemolytic anemia due to G6PD deficiency; Class I glucose-6-phosphate dehydrogenase deficiency; Favism, susceptibility to; ANEMIA, CONGENITAL, NONSPHEROCYTIC HEMOLYTIC, 1. Identifiers: Orphanet 466026, MedGen C2720289, MONDO:0010480, OMIM 300908.

Submission:

Labcorp Genetics (formerly Invitae), Labcorp
Classification: Uncertain significance for Anemia, nonspherocytic hemolytic, due to G6PD deficiency. Last evaluated: 2024-04-18. Review status: criteria provided, single submitter. Criteria: Invitae Variant Classification Sherloc (09022015). Collection method: clinical testing. Allele origin: germline.
Comment: This sequence change replaces aspartic acid, which is acidic and polar, with valine, which is neutral and non-polar, at codon 24 of the G6PD protein (p.Asp24Val). This variant is not present in population databases (gnomAD no frequency). This variant has not been reported in the literature in individuals affected with G6PD-related conditions. An algorithm developed to predict the effect of missense changes on protein structure and function (PolyPhen-2) suggests that this variant is likely to be tolerated. In summary, the available evidence is currently insufficient to determine the role of this variant in disease. Therefore, it has been classified as a Variant of Uncertain Significance.